The following is an entry in ClinVar:

ClinVar aggregate classification (germline): Uncertain significance (1 of 4 stars; one submission).

Submission:

Ambry Genetics
Classification: Uncertain significance. Last evaluated: 2024-01-11. Review status: criteria provided, single submitter. Criteria: Ambry Variant Classification Scheme 2023. Collection method: clinical testing. Allele origin: germline.
Comment: The p.F1429S variant (also known as c.4286T>C), located in coding exon 16 of the POLQ gene, results from a T to C substitution at nucleotide position 4286. The phenylalanine at codon 1429 is replaced by serine, an amino acid with highly dissimilar properties. This amino acid position is conserved. In addition, this alteration is predicted to be tolerated by in silico analysis. Since supporting evidence is limited at this time, the clinical significance of this alteration remains unclear.

NM_199420.4(POLQ):c.4286T>C (p.Phe1429Ser)

Gene: POLQ (DNA polymerase theta; minus strand). Cytogenetic location: 3q13.33.
Variant type: single nucleotide variant.
Coding change: c.4286T>C on transcript NM_199420.4 (MANE Select); coding-DNA position 4286, T replaced by C.
Protein change: p.Phe1429Ser; replaces phenylalanine 1429 with serine.
Molecular consequence: missense variant.
Genome position (GRCh38, 1-based): chr3:121,488,645, A>G on the plus strand (T>C on the coding strand, the complement: POLQ is on the minus strand). VCF-style: chr3-121488645-A-G. GRCh37 (hg19) VCF-style: chr3-121207492-A-G.
Other names: short protein forms F1429S.
Identifiers: ClinVar variation 3229992 (VCV003229992.1), dbSNP rs2546786052, ClinGen allele CA354095487.
Genomic context (GRCh38, chr3:121,488,645, plus strand): 5'-TAACCTTGAAGAAAACTATTTAATTGTGAATCAGTAACAGAAACTTCATTCTTTTTTAAA[A>G]AAAGACCATTTTCCTCCAATAGTATTGGAGAATGGAAAATCGGGCTTTCTGGAGTCAGGA-3'
Protein context (NP_955452.3, residues 1419-1439): SPILLEENGL[Phe1429Ser]LKKNEVSVTD